The following is an entry in ClinVar:

ClinVar aggregate classification (germline): Pathogenic/Likely pathogenic. Review status: criteria provided, multiple submitters, no conflicts (2 of 4 stars). 2 submissions from 2 submitters: Pathogenic (1); Likely pathogenic (1). Last evaluated 2023-12-22.

Conditions:
Cardiovascular phenotype. Identifiers: MedGen CN230736.
Hereditary cancer-predisposing syndrome. Also called: Neoplastic Syndromes, Hereditary; Tumor predisposition; Hereditary Cancer Syndrome; Hereditary neoplastic syndrome. Identifiers: Orphanet 140162, MedGen C0027672, MeSH D009386, MONDO:0015356.
LZTR1-related schwannomatosis. Also called: Schwannomatosis 2; Schwannomatosis-2, susceptibility to. Identifiers: Orphanet 93921, MedGen C3810283, MONDO:0014299, OMIM 615670.

Submissions (2):

Ambry Genetics
Classification: Pathogenic for Cardiovascular phenotype; Hereditary cancer-predisposing syndrome. Last evaluated: 2023-12-22. Review status: criteria provided, single submitter. Criteria: Ambry Variant Classification Scheme 2023. Collection method: clinical testing. Allele origin: germline.
Comment: The c.1802delT pathogenic mutation, located in coding exon 16 of the LZTR1 gene, results from a deletion of one nucleotide at nucleotide position 1802, causing a translational frameshift with a predicted alternate stop codon (p.F601Sfs*3). This alteration is expected to result in loss of function by premature protein truncation or nonsense-mediated mRNA decay. Loss-of-function variants in LZTR1 are related to an increased risk for schwannomas and autosomal recessive Noonan syndrome; however, such associations with autosomal dominant Noonan syndrome have not been observed (Piotrowski A et al. Nat Genet. 2014 Feb;46:182-7; Yamamoto GL et al. J Med Genet. 2015 Jun;52:413-21; Johnston JJ et al. Genet Med. 2018 10;20:1175-1185). Based on the supporting evidence, this variant is pathogenic for an increased risk of LZTR1-related schwannomatosis (SWN) and would be expected to cause autosomal recessive Noonan syndrome when present along with a second pathogenic or likely pathogenic variant on the other allele; however, the association of this alteration with autosomal dominant Noonan syndrome is unlikely.

Baylor Genetics
Classification: Likely pathogenic for LZTR1-related schwannomatosis. Last evaluated: 2023-10-09. Review status: criteria provided, single submitter. Criteria: ACMG Guidelines, 2015. Collection method: clinical testing. Allele origin: unknown.

NM_006767.4(LZTR1):c.1802del (p.Phe601fs)

Gene: LZTR1 (leucine zipper like post translational regulator 1; plus strand). Cytogenetic location: 22q11.21.
Variant type: Deletion.
Coding change: c.1802del on transcript NM_006767.4 (MANE Select); coding-DNA position 1802, one base deleted (T; older notation c.1802delT).
Protein change: p.Phe601fs; shifts the reading frame from phenylalanine 601.
Molecular consequence: frameshift variant.
Genome position (GRCh38, 1-based): chr22:20,994,886, T deleted; the last of 2 consecutive T bases (chr22:20,994,885-20,994,886); deleting either gives the same sequence. VCF-style (leftmost placement, unchanged base first): chr22-20994884-CT-C. GRCh37 (hg19) VCF-style: chr22-21349173-CT-C.
Other names: c.1802delT (NM_006767.3); short protein forms F601fs.
Identifiers: ClinVar variation 2676385 (VCV002676385.2), dbSNP rs2518622326, ClinGen allele CA2695200074.